The following is an entry in ClinVar:

ClinVar aggregate classification (germline): Uncertain significance (1 of 4 stars; one submission).

Conditions:
Nicolaides-Baraitser syndrome (NCBRS). Also called: Intellectual disability-sparse hair-brachydactyly syndrome; SMARCA2-Related Nicolaides-Baraitser Syndrome. Identifiers: Orphanet 3051, MedGen C1303073, MONDO:0011053, OMIM 601358.

Submission:

Victorian Clinical Genetics Services, Murdoch Childrens Research Institute
Classification: Uncertain significance for Nicolaides-Baraitser syndrome. Last evaluated: 2020-05-26. Review status: criteria provided, single submitter. Criteria: ACMG Guidelines, 2015. Collection method: clinical testing. Allele origin: germline. Inheritance: Autosomal dominant inheritance.
Comment: Based on the classification scheme VCGS_Germline_v1.1.1, this variant is classified as 3B-VUS. Following criteria are met: 0104 - Dominant Negative is a suggested mechanism of disease for this gene. (N) 0107 - This gene is known to be associated with autosomal dominant disease. (N) 0200 - Variant is predicted to result in a missense amino acid change from proline to arginine (exon 5). (N) 0251 - Variant is heterozygous. (N) 0301 - Variant is absent from gnomAD. However, this region has low coverage in gnomAD. (P) 0309 - An alternative amino acid change at the same position has been observed in gnomAD (1 heterozygous, 0 homozygous). (N) 0502 - Missense variant with conflicting in silico predictions and/or uninformative conservation. (N) 0604 - Variant is not located in an established domain, motif, hotspot or informative constraint region. (N) 0705 - No comparable variants have previous evidence for pathogenicity. (N) 0807 - Variant has not previously been reported in a clinical context. (N) 0905 - No segregation evidence has been identified for this variant. (N) 1007 - No published functional evidence has been identified for this variant. (N) 1208 - Inheritance information for this variant is not currently available. (N) Legend: (P) - Pathogenic, (N) - Neutral, (B) - Benign

NM_003070.5(SMARCA2):c.800C>G (p.Pro267Arg)

Gene: SMARCA2 (SWI/SNF related BAF chromatin remodeling complex subunit ATPase 2; plus strand). Cytogenetic location: 9p24.3.
Variant type: single nucleotide variant.
Coding change: c.800C>G on transcript NM_003070.5 (MANE Select); coding-DNA position 800, C replaced by G.
Protein change: p.Pro267Arg; replaces proline 267 with arginine.
Molecular consequence: missense variant.
Genome position (GRCh38, 1-based): chr9:2,047,238, C>G. VCF-style: chr9-2047238-C-G. GRCh37 (hg19) VCF-style: chr9-2047238-C-G.
Other names: c.800C>G, p.Pro267Arg (NM_001289396.2, NM_001289397.2, NM_139045.4); short protein forms P267R.
Identifiers: ClinVar variation 1805793 (VCV001805793.1), dbSNP rs2537242897, ClinGen allele CA372780707.
Genomic context (GRCh38, chr9:2,047,238, plus strand): 5'-CCCGCGGGGCGCCGTCCCGCCCGAGCTGCCCATGTCGCTCTTGTCCCGCAGGCCCGGGGC[C>G]GGAGCTGAGCGGCCCGAGCACCCCGCAGAAGCTGCCGGTGCCCGCGCCCGGCGGCCGGCC-3'
Protein context (NP_003061.3, residues 257-277): VNYNRPSGPG[Pro267Arg]ELSGPSTPQK